The following is an entry in ClinVar:

NM_005633.4(SOS1):c.3821C>G (p.Pro1274Arg)

Gene: SOS1 (SOS Ras/Rac guanine nucleotide exchange factor 1; minus strand). Cytogenetic location: 2p22.1.
Variant type: single nucleotide variant.
Coding change: c.3821C>G on transcript NM_005633.4 (MANE Select); coding-DNA position 3821, C replaced by G.
Protein change: p.Pro1274Arg; replaces proline 1274 with arginine.
Molecular consequence: missense variant.
Genome position (GRCh38, 1-based): chr2:38,986,005, G>C on the plus strand (C>G on the coding strand, the complement: SOS1 is on the minus strand). VCF-style: chr2-38986005-G-C. GRCh37 (hg19) VCF-style: chr2-39213146-G-C.
Other names: c.3800C>G, p.Pro1267Arg (NM_001382394.1); c.3776C>G, p.Pro1259Arg (NM_001382395.1); short protein forms P1274R, P1259R, P1267R.
Identifiers: ClinVar variation 280339 (VCV000280339.14), dbSNP rs886041565, ClinGen allele CA10602856.

ClinVar aggregate classification (germline): Conflicting classifications of pathogenicity. Review status: criteria provided, conflicting classifications (1 of 4 stars). 6 submissions from 5 submitters: Uncertain significance (4); Likely benign (2). Last evaluated 2025-07-13.

Conditions:
Cardiovascular phenotype. Identifiers: MedGen CN230736.
RASopathy. Also called: rasopathies; Noonan spectrum disorder. Identifiers: Orphanet 536391, MedGen C5555857, MONDO:0021060.
Fibromatosis, gingival, 1 (GINGF1). Identifiers: Orphanet 2024, MedGen C4551558, MONDO:0007609, OMIM 135300.
Noonan syndrome 4 (NS4). Also called: SOS1-Related Noonan Syndrome; NOONAN SYNDROME WITH PIGMENTED VILLONODULAR SYNOVITIS. Identifiers: Orphanet 648, MedGen C1853120, MONDO:0012547, OMIM 610733.

Allele frequency attached by ClinVar (database versions not stated): gnomAD exomes 0.00001 and 0.00002; TOPMed 0.00001.
gnomAD v4.1: 15 of 1,613,974 alleles (0.00093%); highest among the groups gnomAD compares: Admixed American, 0.0033%; no homozygotes.

Submissions (6):

Labcorp Genetics (formerly Invitae), Labcorp
Classification: Likely benign for RASopathy. Last evaluated: 2025-07-13. Review status: criteria provided, single submitter. Criteria: Invitae Variant Classification Sherloc (09022015). Collection method: clinical testing. Allele origin: germline.

Ambry Genetics
Classification: Uncertain significance for Cardiovascular phenotype. Last evaluated: 2025-05-14. Review status: criteria provided, single submitter. Criteria: Ambry Variant Classification Scheme 2023. Collection method: clinical testing. Allele origin: germline.

Blueprint Genetics
Classification: Likely benign. Last evaluated: 2023-06-29. Review status: criteria provided, single submitter. Criteria: ACMG Guidelines, 2015. Collection method: clinical testing. Allele origin: germline.

GeneDx
Classification: Uncertain significance. Last evaluated: 2016-02-17. Review status: criteria provided, single submitter. Criteria: GeneDx Variant Classification (06012015). Collection method: clinical testing. Allele origin: germline. Affected: yes.
Comment: The P1274R variant has not been published as a pathogenic variant or been reported as a benign variant to our knowledge. This variant was not observed in approximately 6,500 individuals of European and African American ancestry in the NHLBI Exome Sequencing Project, indicating it is not a common benign variant in these populations. The P1274R variant is a non-conservative amino acid substitution, which is likely to impact secondary protein structure as these residues differ in polarity, charge, size and/or other properties. Additionally, this substitution occurs at a position that is conserved across species. Nevertheless, in silico analysis is inconsistent in its predictions as to whether or not the variant is damaging to the protein structure/function. No missense variants in nearby residues have been reported in the Human Gene Mutation Database in association with Noonan syndrome (Stenson et al., 2014).

Genome-Nilou Lab
Classification: Uncertain significance for Noonan syndrome 4. Review status: criteria provided, single submitter. Criteria: ACMG Guidelines, 2015. Collection method: clinical testing. Allele origin: germline.

Genome-Nilou Lab
Classification: Uncertain significance for Fibromatosis, gingival, 1. Review status: criteria provided, single submitter. Criteria: ACMG Guidelines, 2015. Collection method: clinical testing. Allele origin: germline.